The following is an entry in ClinVar:

ClinVar aggregate classification (germline): Pathogenic (1 of 4 stars; one submission).

Conditions:
Inborn genetic diseases. Identifiers: MedGen C0950123, MeSH D030342.

Submission:

Ambry Genetics
Classification: Pathogenic for Inborn genetic diseases. Last evaluated: 2025-08-25. Review status: criteria provided, single submitter. Criteria: Ambry Variant Classification Scheme 2023. Collection method: clinical testing. Allele origin: germline.
Comment: The c.1343-1G>C intronic variant results from a G to C substitution one nucleotide before coding exon 11 of the SOX5 gene. Alterations that disrupt the canonical splice site are expected to cause aberrant splicing, resulting in an abnormal protein or a transcript that is subject to nonsense-mediated mRNA decay. This variant was not reported in population-based cohorts in the Genome Aggregation Database (gnomAD). This nucleotide position is well conserved in available vertebrate species. In silico splice site analysis predicts that this alteration will weaken the native splice acceptor site and may result in the creation or strengthening of a novel splice acceptor site. Based on the available evidence, this alteration is classified as pathogenic.

NM_006940.6(SOX5):c.1343-1G>C

Gene: SOX5 (SRY-box transcription factor 5; minus strand). Cytogenetic location: 12p12.1.
Variant type: single nucleotide variant.
Coding change: c.1343-1G>C on transcript NM_006940.6 (MANE Select); the canonical splice acceptor site of the intron before coding-DNA position 1343, G replaced by C.
Molecular consequence: splice acceptor variant. On other transcripts: intron variant (1).
Genome position (GRCh38, 1-based): chr12:23,563,404, C>G on the plus strand (G>C on the coding strand, the complement: SOX5 is on the minus strand). VCF-style: chr12-23563404-C-G. GRCh37 (hg19) VCF-style: chr12-23716338-C-G.
Other names: c.1304-1G>C (NM_152989.5); c.1126-16980G>C (NM_001261414.3); c.1313-1G>C (NM_001261415.3); c.1238-1G>C (NM_001330785.2); c.185-1G>C (NM_178010.4).
Identifiers: ClinVar variation 4172189 (VCV004172189.1).
Genomic context (GRCh38, chr12:23,563,404, plus strand): 5'-CCTTCATTTGCCGAGCTTCTTGGATTGCCTTGGTGACAGCATCATGGTCATTTAAGTAAC[C>G]TGAACATGAGACAGATCAAAGGATATCTTTTGTATAAAAGCATGTCTAGGCTAGCGTTTA-3'